The following is an entry in ClinVar:

ClinVar aggregate classification (germline): Likely benign. Review status: criteria provided, multiple submitters, no conflicts (2 of 4 stars). 3 submissions from 3 submitters: Likely benign (3). Last evaluated 2026-06-01.

Allele frequency attached by ClinVar (database versions not stated): ESP Exome Variant Server 0.00015; ExAC 0.00019; gnomAD 0.00021; gnomAD exomes 0.00028; TOPMed 0.00037.
gnomAD v4.1: 442 of 1,614,020 alleles (0.027%); highest among the groups gnomAD compares: Admixed American, 0.038%; no homozygotes.

Submissions (3):

CeGaT Center for Human Genetics Tuebingen
Classification: Likely benign. Last evaluated: 2026-06-01. Review status: criteria provided, single submitter. Criteria: CeGaT Center For Human Genetics Tuebingen Variant Classification Criteria Version 2. Collection method: clinical testing. Allele origin: germline. Affected: yes. Observed: 1 variant allele.
Comment: KANK1: BP4, BP7

Labcorp Genetics (formerly Invitae), Labcorp
Classification: Likely benign. Last evaluated: 2025-12-04. Review status: criteria provided, single submitter. Criteria: Invitae Variant Classification Sherloc (09022015). Collection method: clinical testing. Allele origin: germline.

Breakthrough Genomics
Classification: Likely benign. Review status: criteria provided, single submitter. Criteria: ACMG Guidelines, 2015. Collection method: not provided. Allele origin: germline. Inheritance: Unknown mechanism. Affected: yes.

NM_015158.5(KANK1):c.3828G>A (p.Glu1276=)

Gene: KANK1 (KN motif and ankyrin repeat domains 1; plus strand). Cytogenetic location: 9p24.3.
Variant type: single nucleotide variant.
Coding change: c.3828G>A on transcript NM_015158.5 (MANE Select); coding-DNA position 3828, G replaced by A.
Protein change: p.Glu1276=; no amino-acid change (glutamic acid 1276 retained).
Molecular consequence: synonymous variant. On other transcripts: non-coding transcript variant (1).
Genome position (GRCh38, 1-based): chr9:742,336, G>A. VCF-style: chr9-742336-G-A. GRCh37 (hg19) VCF-style: chr9-742336-G-A.
Other names: c.3828G>A, p.Glu1276= (NM_001256876.3, NM_001256877.3, NM_001354334.2); c.3588G>A, p.Glu1196= (NM_001354331.2); c.3774G>A, p.Glu1258= (NM_001354332.2); c.3354G>A, p.Glu1118= (NM_001354333.2, NM_001354335.2, NM_001354337.2 and 2 more transcripts); c.3060G>A, p.Glu1020= (NM_001354336.2); c.3300G>A, p.Glu1100= (NM_001354338.2, NM_001354340.2, NM_001354344.2); c.3114G>A, p.Glu1038= (NM_001354339.2, NM_001354342.2, NM_001354343.2).
Identifiers: ClinVar variation 2059541 (VCV002059541.7), dbSNP rs373112399, ClinGen allele CA4961183.